The following is an entry in ClinVar:

ClinVar aggregate classification (germline): Uncertain significance (1 of 4 stars; one submission).

gnomAD v4.1: 1 of 1,614,120 alleles (0.000062%); highest among the groups gnomAD compares: Non-Finnish European, 0.000085%; no homozygotes.

Submission:

Labcorp Genetics (formerly Invitae), Labcorp
Classification: Uncertain significance. Last evaluated: 2023-03-07. Review status: criteria provided, single submitter. Criteria: Invitae Variant Classification Sherloc (09022015). Collection method: clinical testing. Allele origin: germline.
Comment: In summary, the available evidence is currently insufficient to determine the role of this variant in disease. Therefore, it has been classified as a Variant of Uncertain Significance. Advanced modeling of protein sequence and biophysical properties (such as structural, functional, and spatial information, amino acid conservation, physicochemical variation, residue mobility, and thermodynamic stability) performed at Invitae indicates that this missense variant is not expected to disrupt EDNRB protein function. This variant has not been reported in the literature in individuals affected with EDNRB-related conditions. This variant is not present in population databases (gnomAD no frequency). This sequence change replaces isoleucine, which is neutral and non-polar, with methionine, which is neutral and non-polar, at codon 94 of the EDNRB protein (p.Ile94Met).

NM_001122659.3(EDNRB):c.282C>G (p.Ile94Met)

Gene: EDNRB (endothelin receptor type B; minus strand). Cytogenetic location: 13q22.3.
Variant type: single nucleotide variant.
Coding change: c.282C>G on transcript NM_001122659.3 (MANE Select); coding-DNA position 282, C replaced by G.
Protein change: p.Ile94Met; replaces isoleucine 94 with methionine.
Molecular consequence: missense variant.
Genome position (GRCh38, 1-based): chr13:77,918,292, G>C on the plus strand (C>G on the coding strand, the complement: EDNRB is on the minus strand). VCF-style: chr13-77918292-G-C. GRCh37 (hg19) VCF-style: chr13-78492427-G-C.
Other names: c.282C>G, p.Ile94Met (NM_000115.5, NM_003991.4); c.552C>G, p.Ile184Met (NM_001201397.2); short protein forms I94M, I184M.
Identifiers: ClinVar variation 2802214 (VCV002802214.3), dbSNP rs748380116, ClinGen allele CA388452674.